The following is an entry in ClinVar:

NM_002448.3(MSX1):c.473G>C (p.Arg158Pro)

Gene: MSX1 (msh homeobox 1; plus strand). Cytogenetic location: 4p16.2.
Variant type: single nucleotide variant.
Coding change: c.473G>C on transcript NM_002448.3 (MANE Select); coding-DNA position 473, G replaced by C.
Protein change: p.Arg158Pro; replaces arginine 158 with proline.
Molecular consequence: missense variant.
Genome position (GRCh38, 1-based): chr4:4,862,704, G>C. VCF-style: chr4-4862704-G-C. GRCh37 (hg19) VCF-style: chr4-4864431-G-C.
Other names: short protein forms R158P.
Identifiers: ClinVar variation 3647309 (VCV003647309.2).

ClinVar aggregate classification (germline): Uncertain significance (1 of 4 stars; one submission).

Conditions:
Hypoplastic enamel-onycholysis-hypohidrosis syndrome (TNS). Also called: ECTODERMAL DYSPLASIA 3, TOOTH/NAIL TYPE; Tooth-and-Nail Syndrome; NAIL DYSPLASIA WITH HYPODONTIA; ECTODERMAL DYSPLASIA 3, WITKOP TYPE; WITKOP SYNDROME. Identifiers: Orphanet 2228, MedGen C0406735, MONDO:0008582, OMIM 189500.

Submission:

Labcorp Genetics (formerly Invitae), Labcorp
Classification: Uncertain significance for Hypoplastic enamel-onycholysis-hypohidrosis syndrome. Last evaluated: 2024-03-22. Review status: criteria provided, single submitter. Criteria: Invitae Variant Classification Sherloc (09022015). Collection method: clinical testing. Allele origin: germline.
Comment: This sequence change replaces arginine, which is basic and polar, with proline, which is neutral and non-polar, at codon 158 of the MSX1 protein (p.Arg158Pro). This variant is not present in population databases (gnomAD no frequency). This variant has not been reported in the literature in individuals affected with MSX1-related conditions. Advanced modeling of protein sequence and biophysical properties (such as structural, functional, and spatial information, amino acid conservation, physicochemical variation, residue mobility, and thermodynamic stability) performed at Invitae indicates that this missense variant is not expected to disrupt MSX1 protein function with a negative predictive value of 80%. In summary, the available evidence is currently insufficient to determine the role of this variant in disease. Therefore, it has been classified as a Variant of Uncertain Significance.